The following is an entry in ClinVar:

ClinVar aggregate classification (germline): Uncertain significance (1 of 4 stars; one submission).

Submission:

Labcorp Genetics (formerly Invitae), Labcorp
Classification: Uncertain significance. Last evaluated: 2022-07-25. Review status: criteria provided, single submitter. Criteria: Invitae Variant Classification Sherloc (09022015). Collection method: clinical testing. Allele origin: germline.
Comment: In summary, the available evidence is currently insufficient to determine the role of this variant in disease. Therefore, it has been classified as a Variant of Uncertain Significance. Algorithms developed to predict the effect of missense changes on protein structure and function output the following: SIFT: "Deleterious"; PolyPhen-2: "Probably Damaging"; Align-GVGD: "Class C0". The serine amino acid residue is found in multiple mammalian species, which suggests that this missense change does not adversely affect protein function. ClinVar contains an entry for this variant (Variation ID: 956238). This variant has not been reported in the literature in individuals affected with ADGRV1-related conditions. This variant is not present in population databases (gnomAD no frequency). This sequence change replaces proline, which is neutral and non-polar, with serine, which is neutral and polar, at codon 1836 of the ADGRV1 protein (p.Pro1836Ser).

NM_032119.4(ADGRV1):c.5506C>T (p.Pro1836Ser)

Gene: ADGRV1 (adhesion G protein-coupled receptor V1; plus strand). Cytogenetic location: 5q14.3.
Variant type: single nucleotide variant.
Coding change: c.5506C>T on transcript NM_032119.4 (MANE Select); coding-DNA position 5506, C replaced by T.
Protein change: p.Pro1836Ser; replaces proline 1836 with serine.
Molecular consequence: missense variant. On other transcripts: non-coding transcript variant (1).
Genome position (GRCh38, 1-based): chr5:90,679,611, C>T. VCF-style: chr5-90679611-C-T. GRCh37 (hg19) VCF-style: chr5-89975428-C-T.
Other names: short protein forms P1836S.
Identifiers: ClinVar variation 956238 (VCV000956238.9), dbSNP rs1744678148, ClinGen allele CA360412080.